The following is an entry in ClinVar:

NC_000013.10:g.(?_52538988)_(52585473_?)dup

Gene: ATP7B (ATPase copper transporting beta; minus strand). Cytogenetic location: 13q14.3.
Variant type: Duplication.
Identifiers: ClinVar variation 1371943 (VCV001371943.4).

ClinVar aggregate classification (germline): Uncertain significance (1 of 4 stars; one submission).

Conditions:
Wilson disease (WND). Also called: Wilson's disease. Identifiers: Orphanet 905, MedGen C0019202, MONDO:0010200, OMIM 277900. Disease mechanism: loss of function.

Submission:

Labcorp Genetics (formerly Invitae), Labcorp
Classification: Uncertain significance for Wilson disease. Last evaluated: 2022-07-17. Review status: criteria provided, single submitter. Criteria: Invitae Variant Classification Sherloc (09022015). Collection method: clinical testing. Allele origin: germline.
Comment: This variant results in a copy number gain of the genomic region encompassing exon(s) 1-5 of the ATP7B gene. This region includes the initiator codon of the gene. This copy number gain extends beyond the assayed region for this gene and therefore may encompass additional genes. As the precise location of this event is unknown, it may be in tandem or it may be located elsewhere in the genome. This variant has not been reported in the literature in individuals affected with ATP7B-related conditions. In summary, the available evidence is currently insufficient to determine the role of this variant in disease. Therefore, it has been classified as a Variant of Uncertain Significance.